The following is an entry in ClinVar:

NM_000051.4(ATM):c.8741T>C (p.Ile2914Thr)

Genes: ATM (ATM serine/threonine kinase; plus strand), C11orf65 (chromosome 11 open reading frame 65; minus strand). Cytogenetic location: 11q22.3.
Variant type: single nucleotide variant.
Coding change: c.8741T>C on transcript NM_000051.4 (MANE Select); coding-DNA position 8741, T replaced by C.
Protein change: p.Ile2914Thr; replaces isoleucine 2914 with threonine.
Molecular consequence: missense variant. On other transcripts: intron variant (2).
Genome position (GRCh38, 1-based): chr11:108,353,835, T>C. VCF-style: chr11-108353835-T-C. GRCh37 (hg19) VCF-style: chr11-108224562-T-C.
Other names: c.8741T>C, p.Ile2914Thr (NM_001351834.2); c.640+32085A>G (NM_001330368.2); c.695-18543A>G (NM_001351110.2); short protein forms I2914T.
Identifiers: ClinVar variation 187320 (VCV000187320.29), dbSNP rs780303327, ClinGen allele CA197345.

ClinVar aggregate classification (germline): Uncertain significance. Review status: criteria provided, multiple submitters, no conflicts (2 of 4 stars). 11 submissions from 11 submitters: Uncertain significance (9). 2 of the submissions do not count toward it. Last evaluated 2025-12-17.

Conditions:
ATM-related disorder. Also called: ATM-related disorders; ATM-related condition.
Familial cancer of breast. Also called: hereditary breast carcinoma; BREAST CANCER, FAMILIAL; Hereditary breast cancer. Identifiers: Orphanet 227535, MedGen C0346153, MONDO:0016419, OMIM 114480. Disease mechanism: loss of function.
Ataxia-telangiectasia syndrome (AT). Also called: ATAXIA-TELANGIECTASIA, COMPLEMENTATION GROUP A; ATAXIA-TELANGIECTASIA, FRESNO VARIANT; Ataxia-telangiectasia; Ataxia-telangiectasia, complementation group E; Cerebello-oculocutaneous telangiectasia; Immunodeficiency with ataxia telangiectasia. Identifiers: Orphanet 100, MedGen C0004135, MONDO:0008840, OMIM 208900.
Hereditary cancer-predisposing syndrome. Also called: Hereditary Cancer Syndrome; Tumor predisposition; Neoplastic Syndromes, Hereditary; Hereditary neoplastic syndrome. Identifiers: Orphanet 140162, MedGen C0027672, MeSH D009386, MONDO:0015356.

Allele frequency attached by ClinVar (database versions not stated): gnomAD exomes 0.00001 and 0.00002; gnomAD 0.00001; ExAC 0.00002.
gnomAD v4.1: 11 of 1,613,956 alleles (0.00068%); highest among the groups gnomAD compares: Admixed American, 0.0033%; no homozygotes.

Submissions (11):

Labcorp Genetics (formerly Invitae), Labcorp
Classification: Uncertain significance for Ataxia-telangiectasia syndrome. Last evaluated: 2025-12-17. Review status: criteria provided, single submitter. Criteria: Invitae Variant Classification Sherloc (09022015). Collection method: clinical testing. Allele origin: germline.
Comment: This sequence change replaces isoleucine, which is neutral and non-polar, with threonine, which is neutral and polar, at codon 2914 of the ATM protein (p.Ile2914Thr). This variant is present in population databases (rs780303327, gnomAD 0.009%). This missense change has been observed in individual(s) with early onset and/or familial breast cancer (PMID: 19347964). ClinVar contains an entry for this variant (Variation ID: 187320). Invitae Evidence Modeling of protein sequence and biophysical properties (such as structural, functional, and spatial information, amino acid conservation, physicochemical variation, residue mobility, and thermodynamic stability) indicates that this missense variant is expected to disrupt ATM protein function with a positive predictive value of 80%. In summary, the available evidence is currently insufficient to determine the role of this variant in disease. Therefore, it has been classified as a Variant of Uncertain Significance.

PreventionGenetics, part of Exact Sciences
Classification: Uncertain significance for ATM-related condition. Last evaluated: 2025-10-10. Review status: criteria provided, single submitter. Criteria: ACMG Guidelines, 2015. Collection method: clinical testing. Allele origin: germline.
Comment: The ATM c.8741T>C variant is predicted to result in the amino acid substitution p.Ile2914Thr. This variant has been reported in individuals with breast cancer (Table S2, Tavtigian et al. 2009. PubMed ID: 19781682; Renault et al. 2022. PubMed ID: 35365198). This variant is reported in 0.0085% of alleles in individuals of Latino descent in gnomAD and is interpreted as uncertain in ClinVar (Variation ID: 187320). Of note, another missense variant affecting the same amino acid (p.Ile2914Asn) has been reported in the homozygous state in an individual with ataxia telangiectasia (Amirifar et al. 2021. PubMed ID: 33547824). At this time, the clinical significance of the c.8741T>C (p.Ile2914Thr) variant is uncertain due to the absence of conclusive functional and genetic evidence.

Ambry Genetics
Classification: Uncertain significance for Hereditary cancer-predisposing syndrome. Last evaluated: 2025-05-07. Review status: criteria provided, single submitter. Criteria: Ambry Variant Classification Scheme 2023. Collection method: clinical testing. Allele origin: germline.
Comment: The p.I2914T variant (also known as c.8741T>C), located in coding exon 59 of the ATM gene, results from a T to C substitution at nucleotide position 8741. The isoleucine at codon 2914 is replaced by threonine, an amino acid with similar properties. This alteration was detected in 1/2531 breast cancer cases and not in 2245 controls (Tavtigian SV, Am. J. Hum. Genet. 2009 Oct; 85(4):427-46). This alteration was also reported in a study of 1297 cases of early-onset breast cancer and 1121 controls (Young EL et al. J Med Genet, 2016 06;53:366-76). This amino acid position is highly conserved in available vertebrate species. In addition, this alteration is predicted to be deleterious by in silico analysis. Based on the available evidence, the clinical significance of this variant remains unclear.

Center for Genomic Medicine, Rigshospitalet, Copenhagen University Hospital
Classification: Uncertain significance. Last evaluated: 2025-03-04. Review status: criteria provided, single submitter. Criteria: ACMG Guidelines, 2015. Collection method: clinical testing. Allele origin: germline.

GeneDx
Classification: Uncertain significance. Last evaluated: 2023-09-28. Review status: criteria provided, single submitter. Criteria: GeneDx Variant Classification Process June 2021. Collection method: clinical testing. Allele origin: germline. Affected: yes.
Comment: Not observed at significant frequency in large population cohorts (gnomAD); In silico analysis supports that this missense variant has a deleterious effect on protein structure/function; Observed in individuals with breast cancer in published literature (Tavtigian et al., 2009; Renault et al., 2022); This variant is associated with the following publications: (PMID: 19781682, 21787400, 20346647, 19347964, 26787654, 35365198, 23532176, 36243179)

Color Diagnostics, LLC DBA Color Health
Classification: Uncertain significance for Hereditary cancer-predisposing syndrome. Last evaluated: 2023-08-28. Review status: criteria provided, single submitter. Criteria: ACMG Guidelines, 2015. Collection method: clinical testing. Allele origin: germline.
Comment: This missense variant replaces isoleucine with threonine at codon 2914 of the ATM protein. Computational prediction suggests that this variant may have deleterious impact on protein structure and function (internally defined REVEL score threshold >= 0.7, PMID: 27666373). To our knowledge, functional studies have not been reported for this variant. This variant has been observed in individuals with breast cancer (PMID: 19781682, 35365198). This variant has been identified in 5/282850 chromosomes in the general population by the Genome Aggregation Database (gnomAD). The available evidence is insufficient to determine the role of this variant in disease conclusively. Therefore, this variant is classified as a Variant of Uncertain Significance.

Baylor Genetics
Classification: Uncertain significance for Familial cancer of breast. Last evaluated: 2023-04-09. Review status: criteria provided, single submitter. Criteria: ACMG Guidelines, 2015. Collection method: clinical testing. Allele origin: unknown.

Fulgent Genetics
Classification: Uncertain significance for Familial cancer of breast; Ataxia-telangiectasia syndrome. Last evaluated: 2022-04-26. Review status: criteria provided, single submitter. Criteria: ACMG Guidelines, 2015. Collection method: clinical testing. Allele origin: unknown.

Mayo Clinic Laboratories, Mayo Clinic
Classification: Uncertain significance. Last evaluated: 2019-12-27. Review status: criteria provided, single submitter. Criteria: ACMG Guidelines, 2015. Collection method: clinical testing. Allele origin: germline. Observed: 1 variant allele.

Natera, Inc.
Classification: Uncertain significance for Ataxia-telangiectasia. Last evaluated: 2020-09-16. Review status: no assertion criteria provided. Collection method: clinical testing. Allele origin: germline. Not counted in ClinVar's aggregate classification.

Counsyl
Classification: Uncertain significance for Ataxia-telangiectasia syndrome. Last evaluated: 2017-08-04. Review status: no assertion criteria provided. Collection method: clinical testing. Allele origin: unknown. Not counted in ClinVar's aggregate classification.

Literature cited by the submitters: PubMed 19347964 (cited by Labcorp Genetics (formerly Invitae), Labcorp); PubMed 19781682 (cited by Ambry Genetics and Color Diagnostics, LLC DBA Color Health); PubMed 26787654 (cited by Ambry Genetics); PubMed 35365198 (cited by Color Diagnostics, LLC DBA Color Health).